The following is an entry in ClinVar:

ClinVar aggregate classification (germline): Benign. Review status: criteria provided, multiple submitters, no conflicts (2 of 4 stars). 10 submissions from 10 submitters: Benign (10). Last evaluated 2026-02-04.

Conditions:
Charcot-Marie-Tooth disease. Also called: Charcot-Marie-Tooth Neuropathy; Charcot-Marie-Tooth Hereditary Neuropathy. Identifiers: Orphanet 166, MedGen C0007959, MONDO:0015626.
Charcot-Marie-Tooth disease type 4. Also called: Charcot-Marie-Tooth disease, type IV; Charcot-Marie-Tooth, Type 4. Identifiers: Orphanet 64749, MedGen C4082197, MONDO:0018995.
Charcot-Marie-Tooth disease type 4B1. Also called: Charcot-Marie-Tooth Neuropathy Type 4B1; CHARCOT-MARIE-TOOTH DISEASE, AUTOSOMAL RECESSIVE, WITH FOCALLY FOLDED MYELIN SHEATHS, AUTOSOMAL RECESSIVE, TYPE 4B1; CHARCOT-MARIE-TOOTH DISEASE, TYPE 4B; CHARCOT-MARIE-TOOTH DISEASE, DEMYELINATING, TYPE 4B1. Identifiers: Orphanet 99955, MedGen C1832399, MONDO:0011066, OMIM 601382.

Allele frequency attached by ClinVar (database versions not stated): 1000 Genomes Project 30x 0.20893; 1000 Genomes Project 0.21286; ESP Exome Variant Server 0.23982; gnomAD 0.27654; TOPMed 0.28115.
gnomAD v4.1: 552,399 of 1,557,506 alleles (35%); highest among the groups gnomAD compares: Non-Finnish European, 39%; 103,642 homozygotes.

Submissions (10):

Labcorp Genetics (formerly Invitae), Labcorp
Classification: Benign for Charcot-Marie-Tooth disease type 4. Last evaluated: 2026-02-04. Review status: criteria provided, single submitter. Criteria: Invitae Variant Classification Sherloc (09022015). Collection method: clinical testing. Allele origin: germline.

Genome-Nilou Lab
Classification: Benign for Charcot-Marie-Tooth disease type 4B1. Last evaluated: 2021-09-05. Review status: criteria provided, single submitter. Criteria: ACMG Guidelines, 2015. Collection method: clinical testing. Allele origin: germline. Affected: no.

Mendelics
Classification: Benign for Charcot-Marie-Tooth disease type 4B1. Last evaluated: 2019-05-28. Review status: criteria provided, single submitter. Criteria: Mendelics Assertion Criteria 2017. Collection method: clinical testing. Allele origin: unknown.

Illumina Laboratory Services, Illumina
Classification: Benign for Charcot-Marie-Tooth disease type 4B1. Last evaluated: 2018-01-13. Review status: criteria provided, single submitter. Criteria: ICSL Variant Classification Criteria 13 December 2019. Collection method: clinical testing. Allele origin: germline.
Comment: This variant was observed in the ICSL laboratory as part of a predisposition screen in an ostensibly healthy population. It had not been previously curated by ICSL or reported in the Human Gene Mutation Database (HGMD: prior to June 1st, 2018), and was therefore a candidate for classification through an automated scoring system. Utilizing variant allele frequency, disease prevalence and penetrance estimates, and inheritance mode, an automated score was calculated to assess if this variant is too frequent to cause the disease. Based on the score and internal cut-off values, a variant classified as benign is not then subjected to further curation. The score for this variant resulted in a classification of benign for this disease.

Athena Diagnostics
Classification: Benign for Charcot-Marie-Tooth disease type 4B1. Last evaluated: 2017-06-02. Review status: criteria provided, single submitter. Criteria: Athena Diagnostics Criteria. Collection method: clinical testing. Allele origin: germline.

Mayo Clinic Laboratories, Mayo Clinic
Classification: Benign. Last evaluated: 2016-03-01. Review status: criteria provided, single submitter. Criteria: ACMG Guidelines, 2015. Collection method: clinical testing. Allele origin: germline. Observed: 1,239 variant alleles.

GeneDx
Classification: Benign. Last evaluated: 2015-03-03. Review status: criteria provided, single submitter. Criteria: GeneDx Variant Classification Process June 2021. Collection method: clinical testing. Allele origin: germline. Affected: yes.

Breakthrough Genomics
Classification: Benign. Review status: criteria provided, single submitter. Criteria: ACMG Guidelines, 2015. Collection method: not provided. Allele origin: germline. Inheritance: Autosomal recessive inheritance. Affected: yes.

Molecular Genetics Laboratory, London Health Sciences Centre
Classification: Benign for Charcot-Marie-Tooth disease. Review status: criteria provided, single submitter. Criteria: ACMG Guidelines, 2015. Collection method: clinical testing. Allele origin: germline. Affected: yes.

PreventionGenetics, part of Exact Sciences
Classification: Benign. Review status: criteria provided, single submitter. Criteria: ACMG Guidelines, 2015. Collection method: clinical testing. Allele origin: germline.

NM_016156.6(MTMR2):c.8A>C (p.Lys3Thr)

Gene: MTMR2 (myotubularin related protein 2; minus strand). Cytogenetic location: 11q21.
Variant type: single nucleotide variant.
Coding change: c.8A>C on transcript NM_016156.6 (MANE Select); coding-DNA position 8, A replaced by C.
Protein change: p.Lys3Thr; replaces lysine 3 with threonine.
Molecular consequence: missense variant. On other transcripts: 5 prime UTR variant (3).
Genome position (GRCh38, 1-based): chr11:95,923,947, T>G on the plus strand (A>C on the coding strand, the complement: MTMR2 is on the minus strand). VCF-style: chr11-95923947-T-G. GRCh37 (hg19) VCF-style: chr11-95657111-T-G.
Other names: c.-476A>C (NM_001243571.2); c.-403A>C (NM_201278.3); c.-280A>C (NM_201281.3); short protein forms K3T.
Identifiers: ClinVar variation 260686 (VCV000260686.23), dbSNP rs3824874, ClinGen allele CA6240501.